The following is an entry in ClinVar:

ClinVar aggregate classification (germline): Benign (1 of 4 stars; one submission).

Conditions:
Lynch syndrome 4 (LYNCH4). Also called: Colorectal cancer, hereditary nonpolyposis, type 4; Hereditary non-polyposis colorectal cancer, type 4. Identifiers: Orphanet 144, MedGen C1838333, MONDO:0013699, OMIM 614337. Disease mechanism: loss of function.

Submission:

Myriad Genetics, Inc.
Classification: Benign for Lynch syndrome 4. Last evaluated: 2025-01-23. Review status: criteria provided, single submitter. Criteria: Myriad Autosomal Dominant, Autosomal Recessive and X-Linked Classification Criteria (2023). Collection method: clinical testing. Allele origin: unknown.
Comment: This variant is considered benign. This variant is a silent/synonymous amino acid change and it is not expected to impact splicing.

NM_000535.7(PMS2):c.204T>G (p.Val68=)

Gene: PMS2 (PMS1 homolog 2, mismatch repair system component; minus strand). Cytogenetic location: 7p22.1.
Variant type: single nucleotide variant.
Coding change: c.204T>G on transcript NM_000535.7 (MANE Select); coding-DNA position 204, T replaced by G.
Protein change: p.Val68=; no amino-acid change (valine 68 retained).
Molecular consequence: synonymous variant. On other transcripts: 5 prime UTR variant (44), non-coding transcript variant (1), intron variant (1).
Genome position (GRCh38, 1-based): chr7:6,004,018, A>C on the plus strand (T>G on the coding strand, the complement: PMS2 is on the minus strand). VCF-style: chr7-6004018-A-C. GRCh37 (hg19) VCF-style: chr7-6043649-A-C.
Other names: c.-202T>G (NM_001322003.2, NM_001322004.2, NM_001322005.2 and 13 more transcripts); c.204T>G, p.Val68= (NM_001322006.2, NM_001322014.2, NM_001406868.1 and 10 more transcripts); c.-12T>G (NM_001322007.2, NM_001322008.2, NM_001406876.1 and 4 more transcripts); c.-681T>G (NM_001322011.2, NM_001322012.2); c.-281T>G (NM_001322015.2, NM_001406875.1, NM_001406877.1 and 3 more transcripts); c.390T>G, p.Val130= (NM_001406866.1); c.-228T>G (NM_001406880.1); c.-178T>G (NM_001406881.1, NM_001406900.1); and 3 more.
Identifiers: ClinVar variation 3903695 (VCV003903695.1).